The following is an entry in ClinVar:

ClinVar aggregate classification (germline): Conflicting classifications of pathogenicity. Review status: criteria provided, conflicting classifications (1 of 4 stars). 5 submissions from 5 submitters: Uncertain significance (4); Likely benign (1). Last evaluated 2025-12-15.

Conditions:
Cardiovascular phenotype. Identifiers: MedGen CN230736.
Cardiac arrhythmia. Also called: Arrhythmia; Cardiac rhythm disease. Identifiers: MedGen C0003811, MONDO:0007263, HP:0011675.
Long QT syndrome (LQTS). Identifiers: MedGen C0023976, MeSH D008133, MONDO:0002442. Disease mechanism: loss of function. Inheritance: Various modes of inheritance.

Allele frequency attached by ClinVar (database versions not stated): TOPMed 0.00002.
gnomAD v4.1: 38 of 1,613,728 alleles (0.0024%); highest among the groups gnomAD compares: East Asian, 0.011%; no homozygotes.

Submissions (5):

Ambry Genetics
Classification: Likely benign for Cardiovascular phenotype. Last evaluated: 2025-12-15. Review status: criteria provided, single submitter. Criteria: Ambry Variant Classification Scheme 2023. Collection method: clinical testing. Allele origin: germline.

Labcorp Genetics (formerly Invitae), Labcorp
Classification: Uncertain significance for Long QT syndrome. Last evaluated: 2025-11-25. Review status: criteria provided, single submitter. Criteria: Invitae Variant Classification Sherloc (09022015). Collection method: clinical testing. Allele origin: germline.
Comment: This sequence change replaces alanine, which is neutral and non-polar, with threonine, which is neutral and polar, at codon 287 of the KCNQ1 protein (p.Ala287Thr). This variant is present in population databases (rs765665086, gnomAD 0.02%). This missense change has been observed in individual(s) with long QT syndrome and short QT syndrome (PMID: 22956155, 23631430, 28491751, 36806574). ClinVar contains an entry for this variant (Variation ID: 657731). Invitae Evidence Modeling of protein sequence and biophysical properties (such as structural, functional, and spatial information, amino acid conservation, physicochemical variation, residue mobility, and thermodynamic stability) has been performed for this missense variant. However, the output from this modeling did not meet the statistical confidence thresholds required to predict the impact of this variant on KCNQ1 protein function. Experimental studies have shown that this missense change affects KCNQ1 function (PMID: 28491751). In summary, the available evidence is currently insufficient to determine the role of this variant in disease. Therefore, it has been classified as a Variant of Uncertain Significance.

Color Diagnostics, LLC DBA Color Health
Classification: Uncertain significance for Cardiac arrhythmia. Last evaluated: 2025-07-09. Review status: criteria provided, single submitter. Criteria: ACMG Guidelines, 2015. Collection method: clinical testing. Allele origin: germline.
Comment: This missense variant replaces alanine with threonine at codon 287 of the KCNQ1 protein. This variant is located within the conserved extracellular linker (a.a. 283-299) of the KCNQ1 protein. Rare non-truncating variants in this region have been shown to be significantly overrepresented in individuals with long QT syndrome (PMID: 32893267). Computational prediction suggests that this variant may have a deleterious impact on protein structure and function. An in vitro experimental functional study has shown that this variant causes increased peak current amplitudes compared with wild type channels. (PMID: 28491751). This variant has been reported in an individual affected with long QT syndrome (PMID: 22956155), in an individual suspected to be affected ith long QT syndrome (PMID: 23631430), and in an individual affected with short QT syndrome (PMID: 28491751). This variant has been identified in 11/250332 chromosomes in the general population by the Genome Aggregation Database (gnomAD). The available evidence is insufficient to determine the role of this variant in disease conclusively. Therefore, this variant is classified as a Variant of Uncertain Significance.

GeneDx
Classification: Uncertain significance. Last evaluated: 2024-04-04. Review status: criteria provided, single submitter. Criteria: GeneDx Variant Classification Process June 2021. Collection method: clinical testing. Allele origin: germline. Affected: yes.
Comment: Reported in one individual with short QT syndrome; however, two other relatives who also harbor this variant were reported to be asymptomatic with a normal QT interval (PMID: 28491751); Published in vitro functional studies demonstrate a gain-of-function effect on potassium channel (PMID: 28491751); nevertheless, it is unclear how these studies may translate to a pathogenic role in vivo; In silico analysis supports that this missense variant does not alter protein structure/function; This variant is associated with the following publications: (PMID: 22956155, 23631430, 29501667, 34557911, 37122211, 36806574, 28491751)

All of Us Research Program, National Institutes of Health
Classification: Uncertain significance for Long QT syndrome. Last evaluated: 2023-11-20. Review status: criteria provided, single submitter. Criteria: ACMG Guidelines, 2015. Collection method: clinical testing. Allele origin: germline. Inheritance: Autosomal dominant inheritance. Observed: 3 variant alleles, 3 heterozygotes.
Comment: This missense variant replaces alanine with threonine at codon 287 of the KCNQ1 protein. Computational prediction suggests that this variant may have deleterious impact on protein structure and function (internally defined REVEL score threshold >= 0.7, PMID: 27666373). An in vitro experimental functional study has shown that this variant causes increased peak current amplitudes compared with wild type channels. (PMID: 28491751). This variant has been reported in an individual affected with long QT syndrome (PMID: 22956155), in an individual suspected of having long QT syndrome (PMID: 23631430), and in an individual affected with short QT syndrome (PMID: 28491751). This variant has been identified in 11/250332 chromosomes in the general population by the Genome Aggregation Database (gnomAD). The available evidence is insufficient to determine the role of this variant in disease conclusively. Therefore, this variant is classified as a Variant of Uncertain Significance.

This study involves interpretation of variants in research participants for the purpose of population health screening. Participant phenotype was not available at the time of variant classification. Additional details can be found in publication PMID: 35346344, PMCID: PMC8962531

Literature cited by the submitters: PubMed 22956155 (cited by 4 submitters); PubMed 23631430 (cited by 4 submitters); PubMed 28491751 (cited by 4 submitters); PubMed 36806574 (cited by Labcorp Genetics (formerly Invitae), Labcorp); PubMed 32893267 (cited by Color Diagnostics, LLC DBA Color Health).

NM_000218.3(KCNQ1):c.859G>A (p.Ala287Thr)

Gene: KCNQ1 (potassium voltage-gated channel subfamily Q member 1; plus strand). Cytogenetic location: 11p15.5.
Variant type: single nucleotide variant.
Coding change: c.859G>A on transcript NM_000218.3 (MANE Select); coding-DNA position 859, G replaced by A.
Protein change: p.Ala287Thr; replaces alanine 287 with threonine.
Molecular consequence: missense variant.
Genome position (GRCh38, 1-based): chr11:2,572,924, G>A. VCF-style: chr11-2572924-G-A. GRCh37 (hg19) VCF-style: chr11-2594154-G-A.
Other names: c.859G>A, p.Ala287Thr (NM_001406836.1); c.589G>A, p.Ala197Thr (NM_001406837.1); c.478G>A, p.Ala160Thr (NM_181798.2); short protein forms A160T, A287T, A197T.
Identifiers: ClinVar variation 657731 (VCV000657731.20), dbSNP rs765665086, ClinGen allele CA040978.
Genomic context (GRCh38, chr11:2,572,924, plus strand): 5'-TACATCGGCTTCCTGGGCCTCATCTTCTCCTCGTACTTTGTGTACCTGGCTGAGAAGGAC[G>A]CGGTGAACGAGTCAGGCCGCGTGGAGTTCGGCAGCTACGCAGATGCGCTGTGGTGGGGGG-3'
Protein context (NP_000209.2, residues 277-297): SYFVYLAEKD[Ala287Thr]VNESGRVEFG